The following is an entry in ClinVar:

NM_198503.5(KCNT2):c.3214G>T (p.Glu1072Ter)

Gene: KCNT2 (potassium sodium-activated channel subfamily T member 2; minus strand). Cytogenetic location: 1q31.3.
Variant type: single nucleotide variant.
Coding change: c.3214G>T on transcript NM_198503.5 (MANE Select); coding-DNA position 3214, G replaced by T.
Protein change: p.Glu1072Ter; replaces glutamic acid 1072 with a stop codon.
Molecular consequence: nonsense. On other transcripts: non-coding transcript variant (2).
Genome position (GRCh38, 1-based): chr1:196,236,068, C>A on the plus strand (G>T on the coding strand, the complement: KCNT2 is on the minus strand). VCF-style: chr1-196236068-C-A. GRCh37 (hg19) VCF-style: chr1-196205198-C-A.
Other names: c.3142G>T, p.Glu1048Ter (NM_001287819.3); c.3013G>T, p.Glu1005Ter (NM_001287820.3); short protein forms E1005*, E1048*, E1072*.
Identifiers: ClinVar variation 4875075 (VCV004875075.2).

ClinVar aggregate classification (germline): Uncertain significance (1 of 4 stars; one submission).

Submission:

CeGaT Center for Human Genetics Tuebingen
Classification: Uncertain significance. Last evaluated: 2026-06-01. Review status: criteria provided, single submitter. Criteria: CeGaT Center For Human Genetics Tuebingen Variant Classification Criteria Version 2. Collection method: clinical testing. Allele origin: germline. Affected: yes. Observed: 1 variant allele.
Comment: KCNT2: PM2, PVS1:Moderate